The following is an entry in ClinVar:

NM_024334.3(TMEM43):c.583+6T>C

Gene: TMEM43 (transmembrane protein 43; plus strand). Cytogenetic location: 3p25.1.
Variant type: single nucleotide variant.
Coding change: c.583+6T>C on transcript NM_024334.3 (MANE Select); 6 bases into the intron after coding-DNA position 583, T replaced by C.
Molecular consequence: intron variant.
Genome position (GRCh38, 1-based): chr3:14,133,815, T>C. VCF-style: chr3-14133815-T-C. GRCh37 (hg19) VCF-style: chr3-14175315-T-C.
Other names: c.586+6T>C (NM_001407274.1); c.583+6T>C (NM_001407276.1, NM_001407275.1, NM_001407277.1 and 1 more transcripts); c.568+6T>C (NM_001407278.1); c.433+6T>C (NM_001407280.1).
Identifiers: ClinVar variation 3894465 (VCV003894465.1).

ClinVar aggregate classification (germline): Uncertain significance (1 of 4 stars; one submission).

Conditions:
Cardiomyopathy (CMYO). Also called: Cardiomyopathies. Identifiers: Orphanet 167848, MedGen C0878544, MONDO:0004994, HP:0001638. Inheritance: Various modes of inheritance.

Submission:

Color Diagnostics, LLC DBA Color Health
Classification: Uncertain significance for Cardiomyopathy. Last evaluated: 2024-03-04. Review status: criteria provided, single submitter. Criteria: ACMG Guidelines, 2015. Collection method: clinical testing. Allele origin: germline.
Comment: This variant causes a T to C nucleotide substitution at the +6 position of intron 7/11 of the TMEM43 gene. To our knowledge, functional studies have not been reported for this variant. This variant has not been reported in individuals affected with TMEM43-related disorders in the literature. This variant has not been identified in the general population by the Genome Aggregation Database (gnomAD). The available evidence is insufficient to determine the role of this variant in disease conclusively. Therefore, this variant is classified as a Variant of Uncertain Significance.